The following is an entry in ClinVar:

ClinVar aggregate classification (germline): Uncertain significance (1 of 4 stars; one submission).

Conditions:
Dilated cardiomyopathy 1JJ (CMD1JJ). Identifiers: Orphanet 154, MedGen C3808935, MONDO:0014095, OMIM 615235.

gnomAD v4.1: 1 of 1,614,072 alleles (0.000062%); highest among the groups gnomAD compares: African/African-American, 0.0013%; no homozygotes.

Submission:

Labcorp Genetics (formerly Invitae), Labcorp
Classification: Uncertain significance for Dilated cardiomyopathy 1JJ. Last evaluated: 2024-08-06. Review status: criteria provided, single submitter. Criteria: Invitae Variant Classification Sherloc (09022015). Collection method: clinical testing. Allele origin: germline.
Comment: This sequence change replaces cysteine, which is neutral and slightly polar, with phenylalanine, which is neutral and non-polar, at codon 248 of the LAMA4 protein (p.Cys248Phe). This variant is not present in population databases (gnomAD no frequency). This variant has not been reported in the literature in individuals affected with LAMA4-related conditions. An algorithm developed to predict the effect of missense changes on protein structure and function (PolyPhen-2) suggests that this variant is likely to be disruptive. In summary, the available evidence is currently insufficient to determine the role of this variant in disease. Therefore, it has been classified as a Variant of Uncertain Significance.

NM_001105206.3(LAMA4):c.743G>T (p.Cys248Phe)

Gene: LAMA4 (laminin subunit alpha 4; minus strand). Cytogenetic location: 6q21.
Variant type: single nucleotide variant.
Coding change: c.743G>T on transcript NM_001105206.3 (MANE Select); coding-DNA position 743, G replaced by T.
Protein change: p.Cys248Phe; replaces cysteine 248 with phenylalanine.
Molecular consequence: missense variant.
Genome position (GRCh38, 1-based): chr6:112,189,181, C>A on the plus strand (G>T on the coding strand, the complement: LAMA4 is on the minus strand). VCF-style: chr6-112189181-C-A. GRCh37 (hg19) VCF-style: chr6-112510383-C-A.
Other names: c.743G>T, p.Cys248Phe (NM_001105207.3, NM_002290.5); short protein forms C248F.
Identifiers: ClinVar variation 3609562 (VCV003609562.2).
Genomic context (GRCh38, chr6:112,189,181, plus strand): 5'-CAGTCCATGCCTGTAGGGGGTTCAAAACCTTCTTCCAAGCATTCTCCGGTTACACTGTCA[C>A]ATGGGCCTCCCCCGCAGTTGCACACTGTGGGAAACAAAAACAAGAGACGAGAAATGCACT-3'
Protein context (NP_001098676.2, residues 238-258): CAVCNCGGGP[Cys248Phe]DSVTGECLEE